The following is an entry in ClinVar:

NM_004304.5(ALK):c.461G>C (p.Cys154Ser)

Gene: ALK (ALK receptor tyrosine kinase; minus strand). Cytogenetic location: 2p23.1.
Variant type: single nucleotide variant.
Coding change: c.461G>C on transcript NM_004304.5 (MANE Select); coding-DNA position 461, G replaced by C.
Protein change: p.Cys154Ser; replaces cysteine 154 with serine.
Molecular consequence: missense variant.
Genome position (GRCh38, 1-based): chr2:29,920,199, C>G on the plus strand (G>C on the coding strand, the complement: ALK is on the minus strand). VCF-style: chr2-29920199-C-G. GRCh37 (hg19) VCF-style: chr2-30143065-C-G.
Other names: short protein forms C154S.
Identifiers: ClinVar variation 4834596 (VCV004834596.1).

ClinVar aggregate classification (germline): Uncertain significance (1 of 4 stars; one submission).

Conditions:
Hereditary cancer-predisposing syndrome. Also called: Neoplastic Syndromes, Hereditary; Tumor predisposition; Hereditary Cancer Syndrome; Hereditary neoplastic syndrome. Identifiers: Orphanet 140162, MedGen C0027672, MeSH D009386, MONDO:0015356.

Submission:

Ambry Genetics
Classification: Uncertain significance for Hereditary cancer-predisposing syndrome. Last evaluated: 2025-12-20. Review status: criteria provided, single submitter. Criteria: Ambry Variant Classification Scheme 2023. Collection method: clinical testing. Allele origin: germline.
Comment: The p.C154S variant (also known as c.461G>C), located in coding exon 1 of the ALK gene, results from a G to C substitution at nucleotide position 461. The cysteine at codon 154 is replaced by serine, an amino acid with dissimilar properties. This amino acid position is conserved. In addition, this alteration is predicted to be deleterious by in silico analysis. Based on the available evidence, the clinical significance of this variant remains unclear.